The following is an entry in ClinVar:

NM_002609.4(PDGFRB):c.1082G>C (p.Ser361Thr)

Gene: PDGFRB (platelet derived growth factor receptor beta; minus strand). Cytogenetic location: 5q32.
Variant type: single nucleotide variant.
Coding change: c.1082G>C on transcript NM_002609.4 (MANE Select); coding-DNA position 1082, G replaced by C.
Protein change: p.Ser361Thr; replaces serine 361 with threonine.
Molecular consequence: missense variant.
Genome position (GRCh38, 1-based): chr5:150,132,795, C>G on the plus strand (G>C on the coding strand, the complement: PDGFRB is on the minus strand). VCF-style: chr5-150132795-C-G. GRCh37 (hg19) VCF-style: chr5-149512358-C-G.
Other names: c.890G>C, p.Ser297Thr (NM_001355016.2); c.599G>C, p.Ser200Thr (NM_001355017.2); short protein forms S200T, S297T, S361T.
Identifiers: ClinVar variation 4783283 (VCV004783283.1).
Genomic context (GRCh38, chr5:150,132,795, plus strand): 5'-GAGCGAGCTGCTCACCGGGTCTCCGACACGTTGCGCGTGGACAGGGCGATTTCGCCAGCG[C>G]TGGAGTCGCCCAGGGTGCGGTTGTCTTTGAACCACAGGACAGTGGGCGGTGGGTAGGCCT-3'
Protein context (NP_002600.1, residues 351-371): FKDNRTLGDS[Ser361Thr]AGEIALSTRN

ClinVar aggregate classification (germline): Uncertain significance (1 of 4 stars; one submission).

Conditions:
Skeletal overgrowth-craniofacial dysmorphism-hyperelastic skin-white matter lesions syndrome. Also called: SKELETAL OVERGROWTH WITH FACIAL DYSMORPHISM, HYPERELASTIC SKIN, WHITE MATTER LESIONS, AND NEUROLOGIC DETERIORATION; Kosaki overgrowth syndrome. Identifiers: Orphanet 477831, MedGen C4225270, MONDO:0014704, OMIM 616592.
Acroosteolysis-keloid-like lesions-premature aging syndrome. Also called: Premature aging syndrome, Penttinen type; Prematurely aged appearance, delayed bone maturation, acro-osteolysis, and brachydactyly; Progeroid syndrome, Penttinen type. Identifiers: Orphanet 363665, MedGen C1866182, MONDO:0011150, OMIM 601812.
Infantile myofibromatosis (IMF). Also called: Congenital generalized fibromatosis. Identifiers: Orphanet 2591, MedGen C0432284, MONDO:0016824.
Basal ganglia calcification, idiopathic, 4 (PFBC4). Also called: Familial Idiopathic Basal Ganglia Calcification 4; PRIMARY FAMILIAL BRAIN CALCIFICATION 4, AUTOSOMAL DOMINANT. Identifiers: Orphanet 1980, MedGen C3554321, MONDO:0014004, OMIM 615007.

Submission:

Labcorp Genetics (formerly Invitae), Labcorp
Classification: Uncertain significance for Basal ganglia calcification, idiopathic, 4; Skeletal overgrowth-craniofacial dysmorphism-hyperelastic skin-white matter lesions syndrome; Infantile myofibromatosis; Acroosteolysis-keloid-like lesions-premature aging syndrome. Last evaluated: 2025-07-06. Review status: criteria provided, single submitter. Criteria: Invitae Variant Classification Sherloc (09022015). Collection method: clinical testing. Allele origin: germline.
Comment: This sequence change replaces serine, which is neutral and polar, with threonine, which is neutral and polar, at codon 361 of the PDGFRB protein (p.Ser361Thr). This variant is not present in population databases (gnomAD no frequency). This variant has not been reported in the literature in individuals affected with PDGFRB-related conditions. Invitae Evidence Modeling of protein sequence and biophysical properties (such as structural, functional, and spatial information, amino acid conservation, physicochemical variation, residue mobility, and thermodynamic stability) indicates that this missense variant is not expected to disrupt PDGFRB protein function with a negative predictive value of 80%. In summary, the available evidence is currently insufficient to determine the role of this variant in disease. Therefore, it has been classified as a Variant of Uncertain Significance.